The following is an entry in ClinVar:

NM_001371986.1(UNC80):c.3014C>A (p.Ser1005Tyr)

Gene: UNC80 (unc-80 homolog, NALCN channel complex subunit; plus strand). Cytogenetic location: 2q34.
Variant type: single nucleotide variant.
Coding change: c.3014C>A on transcript NM_001371986.1 (MANE Select); coding-DNA position 3014, C replaced by A.
Protein change: p.Ser1005Tyr; replaces serine 1005 with tyrosine.
Molecular consequence: missense variant.
Genome position (GRCh38, 1-based): chr2:209,834,983, C>A. VCF-style: chr2-209834983-C-A. GRCh37 (hg19) VCF-style: chr2-210699707-C-A.
Other names: c.3014C>A, p.Ser1005Tyr (NM_032504.2); c.2999C>A, p.Ser1000Tyr (NM_182587.4); short protein forms S1005Y, S1000Y.
Identifiers: ClinVar variation 2079449 (VCV002079449.1), dbSNP rs997541691, ClinGen allele CA64681375.

ClinVar aggregate classification (germline): Uncertain significance (1 of 4 stars; one submission).

Allele frequency attached by ClinVar (database versions not stated): gnomAD exomes below 0.00001; gnomAD 0.00002; TOPMed 0.00005.
gnomAD v4.1: 4 of 1,550,886 alleles (0.00026%); highest among the groups gnomAD compares: African/African-American, 0.0055%; no homozygotes.

Submission:

Labcorp Genetics (formerly Invitae), Labcorp
Classification: Uncertain significance. Last evaluated: 2022-07-16. Review status: criteria provided, single submitter. Criteria: Invitae Variant Classification Sherloc (09022015). Collection method: clinical testing. Allele origin: germline.
Comment: This sequence change replaces serine, which is neutral and polar, with tyrosine, which is neutral and polar, at codon 1005 of the UNC80 protein (p.Ser1005Tyr). This variant is present in population databases (no rsID available, gnomAD 0.01%). This variant has not been reported in the literature in individuals affected with UNC80-related conditions. Algorithms developed to predict the effect of missense changes on protein structure and function are either unavailable or do not agree on the potential impact of this missense change (SIFT: "Not Available"; PolyPhen-2: "Probably Damaging"; Align-GVGD: "Not Available"). In summary, the available evidence is currently insufficient to determine the role of this variant in disease. Therefore, it has been classified as a Variant of Uncertain Significance.